The following is an entry in ClinVar:

NM_006231.4(POLE):c.4952+6C>A

Gene: POLE (DNA polymerase epsilon, catalytic subunit; minus strand). Cytogenetic location: 12q24.33.
Variant type: single nucleotide variant.
Coding change: c.4952+6C>A on transcript NM_006231.4 (MANE Select); 6 bases into the intron after coding-DNA position 4952, C replaced by A.
Molecular consequence: intron variant.
Genome position (GRCh38, 1-based): chr12:132,642,500, G>T on the plus strand (C>A on the coding strand, the complement: POLE is on the minus strand). VCF-style: chr12-132642500-G-T. GRCh37 (hg19) VCF-style: chr12-133219086-G-T.
Identifiers: ClinVar variation 2856469 (VCV002856469.3), dbSNP rs1287310585, ClinGen allele CA608513891.

ClinVar aggregate classification (germline): Uncertain significance (1 of 4 stars; one submission).

Allele frequency attached by ClinVar (database versions not stated): gnomAD exomes below 0.00001.
gnomAD v4.1: 1 of 1,613,360 alleles (0.000062%); highest among the groups gnomAD compares: Non-Finnish European, 0.000085%; no homozygotes.

Submission:

Labcorp Genetics (formerly Invitae), Labcorp
Classification: Uncertain significance. Last evaluated: 2023-04-15. Review status: criteria provided, single submitter. Criteria: Invitae Variant Classification Sherloc (09022015). Collection method: clinical testing. Allele origin: germline.
Comment: In summary, the available evidence is currently insufficient to determine the role of this variant in disease. Therefore, it has been classified as a Variant of Uncertain Significance. Variants that disrupt the consensus splice site are a relatively common cause of aberrant splicing (PMID: 17576681, 9536098). Algorithms developed to predict the effect of sequence changes on RNA splicing suggest that this variant is not likely to affect RNA splicing. This variant has not been reported in the literature in individuals affected with POLE-related conditions. This variant is present in population databases (no rsID available, gnomAD 0.0009%). This sequence change falls in intron 37 of the POLE gene. It does not directly change the encoded amino acid sequence of the POLE protein. It affects a nucleotide within the consensus splice site.

Literature cited by the submitters: PubMed 17576681; PubMed 9536098.